The following is an entry in ClinVar:

ClinVar aggregate classification (germline): Uncertain significance (1 of 4 stars; one submission).

Allele frequency attached by ClinVar (database versions not stated): gnomAD exomes 0.00002; ESP Exome Variant Server 0.00008; ExAC 0.00001; TOPMed 0.00001.
gnomAD v4.1: 26 of 1,612,448 alleles (0.0016%); highest among the groups gnomAD compares: Non-Finnish European, 0.002%; no homozygotes.

Submission:

Labcorp Genetics (formerly Invitae), Labcorp
Classification: Uncertain significance. Last evaluated: 2024-07-12. Review status: criteria provided, single submitter. Criteria: Invitae Variant Classification Sherloc (09022015). Collection method: clinical testing. Allele origin: germline.
Comment: This sequence change replaces valine, which is neutral and non-polar, with leucine, which is neutral and non-polar, at codon 1822 of the HMCN1 protein (p.Val1822Leu). This variant is present in population databases (rs368789290, gnomAD 0.002%). This variant has not been reported in the literature in individuals affected with HMCN1-related conditions. ClinVar contains an entry for this variant (Variation ID: 2069805). An algorithm developed to predict the effect of missense changes on protein structure and function (PolyPhen-2) suggests that this variant is likely to be tolerated. In summary, the available evidence is currently insufficient to determine the role of this variant in disease. Therefore, it has been classified as a Variant of Uncertain Significance.

NM_031935.3(HMCN1):c.5464G>C (p.Val1822Leu)

Gene: HMCN1 (hemicentin 1; plus strand). Cytogenetic location: 1q31.1.
Variant type: single nucleotide variant.
Coding change: c.5464G>C on transcript NM_031935.3 (MANE Select); coding-DNA position 5464, G replaced by C.
Protein change: p.Val1822Leu; replaces valine 1822 with leucine.
Molecular consequence: missense variant.
Genome position (GRCh38, 1-based): chr1:186,018,346, G>C. VCF-style: chr1-186018346-G-C. GRCh37 (hg19) VCF-style: chr1-185987478-G-C.
Other names: short protein forms V1822L.
Identifiers: ClinVar variation 2069805 (VCV002069805.4), dbSNP rs368789290, ClinGen allele CA1292262.